The following is an entry in ClinVar:

NM_015030.2(FRYL):c.5336dup (p.Ser1780fs)

Gene: FRYL (FRY like transcription coactivator; minus strand). Cytogenetic location: 4p11.
Variant type: Duplication.
Coding change: c.5336dup on transcript NM_015030.2 (MANE Select); coding-DNA position 5336, one base duplicated (A; older notation c.5336dupA).
Protein change: p.Ser1780fs; shifts the reading frame from serine 1780.
Molecular consequence: frameshift variant.
Genome position (GRCh38, 1-based): chr4:48,544,848, T duplicated on the plus strand (A on the coding strand, the reverse complement: FRYL is on the minus strand); the first of 3 consecutive T bases (chr4:48,544,848-48,544,850); duplicating any one gives the same sequence. VCF-style (leftmost placement, unchanged base first): chr4-48544847-C-CT. GRCh37 (hg19) VCF-style: chr4-48546864-C-CT.
Other names: short protein forms S1780fs.
Identifiers: ClinVar variation 4813730 (VCV004813730.1).

ClinVar aggregate classification (germline): Likely pathogenic (1 of 4 stars; one submission).

Conditions:
Pan-Chung-Bellen syndrome. Identifiers: MedGen C5975547, MONDO:0975953, OMIM 621049.

Submission:

Variantyx, Inc.
Classification: Likely pathogenic for Pan-Chung-Bellen syndrome. Last evaluated: 2025-10-30. Review status: criteria provided, single submitter. Criteria: Variantyx Assertion Criteria 2022. Collection method: clinical testing. Allele origin: germline. Inheritance: Autosomal dominant inheritance. Affected: yes.
Comment: This is a frameshift variant in the FRYL gene (OMIM: 620798). Pathogenic variants in this gene have been associated with autosomal dominant Pan-Chung-Bellen syndrome. This variant introduces a premature termination codon in exon 43 out of 64 and is expected to result in loss of function, which is a known disease mechanism for FRYL in this disorder (PMID: 38479391) (PVS1). This variant is absent from control populations (PM2). Based on the current evidence, this variant is classified as likely pathogenic for autosomal dominant Pan-Chung-Bellen syndrome.

Literature cited by the submitters: PubMed 38479391.